The following is an entry in ClinVar:

NM_018109.4(MTPAP):c.610A>G (p.Thr204Ala)

Gene: MTPAP (mitochondrial poly(A) polymerase; minus strand). Cytogenetic location: 10p11.23.
Variant type: single nucleotide variant.
Coding change: c.610A>G on transcript NM_018109.4 (MANE Select); coding-DNA position 610, A replaced by G.
Protein change: p.Thr204Ala; replaces threonine 204 with alanine.
Molecular consequence: missense variant.
Genome position (GRCh38, 1-based): chr10:30,336,973, T>C on the plus strand (A>G on the coding strand, the complement: MTPAP is on the minus strand). VCF-style: chr10-30336973-T-C. GRCh37 (hg19) VCF-style: chr10-30625902-T-C.
Other names: short protein forms T204A.
Identifiers: ClinVar variation 1954991 (VCV001954991.3), dbSNP rs1207137353, ClinGen allele CA376426358.

ClinVar aggregate classification (germline): Uncertain significance (1 of 4 stars; one submission).

Allele frequency attached by ClinVar (database versions not stated): TOPMed 0.00001; gnomAD exomes 0.00001; gnomAD 0.00003.
gnomAD v4.1: 15 of 1,613,550 alleles (0.00093%); highest among the groups gnomAD compares: Non-Finnish European, 0.0012%; no homozygotes.

Submission:

Labcorp Genetics (formerly Invitae), Labcorp
Classification: Uncertain significance. Last evaluated: 2025-03-17. Review status: criteria provided, single submitter. Criteria: Invitae Variant Classification Sherloc (09022015). Collection method: clinical testing. Allele origin: germline.
Comment: This sequence change replaces threonine, which is neutral and polar, with alanine, which is neutral and non-polar, at codon 204 of the MTPAP protein (p.Thr204Ala). This variant is present in population databases (no rsID available, gnomAD 0.003%). This variant has not been reported in the literature in individuals affected with MTPAP-related conditions. ClinVar contains an entry for this variant (Variation ID: 1954991). Invitae Evidence Modeling of protein sequence and biophysical properties (such as structural, functional, and spatial information, amino acid conservation, physicochemical variation, residue mobility, and thermodynamic stability) indicates that this missense variant is not expected to disrupt MTPAP protein function with a negative predictive value of 80%. In summary, the available evidence is currently insufficient to determine the role of this variant in disease. Therefore, it has been classified as a Variant of Uncertain Significance.